The following is an entry in ClinVar:

ClinVar aggregate classification (germline): Conflicting classifications of pathogenicity. Review status: criteria provided, conflicting classifications (1 of 4 stars). 6 submissions from 6 submitters: Uncertain significance (3); Likely benign (2). 1 of the submissions does not count toward it. Last evaluated 2026-09-01.

Conditions:
Cardiovascular phenotype. Identifiers: MedGen CN230736.
Alstrom syndrome (ALMS). Identifiers: Orphanet 64, MedGen C0268425, MONDO:0008763, OMIM 203800.
Monogenic diabetes. Identifiers: Orphanet 183625, MedGen C3888631, MONDO:0015967.

Allele frequency attached by ClinVar (database versions not stated): TOPMed 0.00012; gnomAD 0.00012 and 0.00011; ExAC 0.00004; gnomAD exomes 0.00003 and 0.00014.
gnomAD v4.1: 223 of 1,613,600 alleles (0.014%); highest among the groups gnomAD compares: Non-Finnish European, 0.018%; no homozygotes.

Submissions (6):

GeneDx
Classification: Uncertain significance. Last evaluated: 2026-09-01. Review status: criteria provided, single submitter. Criteria: GeneDx Variant Classification Process June 2021. Collection method: clinical testing. Allele origin: germline.
Comment: Not observed at significant frequency in large population cohorts (gnomAD); In silico analysis suggests that this missense variant does not alter protein structure/function; Has not been previously published as pathogenic or benign to our knowledge

Ambry Genetics
Classification: Likely benign for Cardiovascular phenotype. Last evaluated: 2023-11-03. Review status: criteria provided, single submitter. Criteria: Ambry Variant Classification Scheme 2023. Collection method: clinical testing. Allele origin: germline.

Labcorp Genetics (formerly Invitae), Labcorp
Classification: Uncertain significance for Alstrom syndrome. Last evaluated: 2022-08-16. Review status: criteria provided, single submitter. Criteria: Invitae Variant Classification Sherloc (09022015). Collection method: clinical testing. Allele origin: germline.
Comment: This sequence change replaces valine, which is neutral and non-polar, with leucine, which is neutral and non-polar, at codon 2122 of the ALMS1 protein (p.Val2122Leu). This variant is present in population databases (rs200368564, gnomAD 0.008%). This variant has not been reported in the literature in individuals affected with ALMS1-related conditions. ClinVar contains an entry for this variant (Variation ID: 392543). Experimental studies and prediction algorithms are not available or were not evaluated, and the functional significance of this variant is currently unknown. In summary, the available evidence is currently insufficient to determine the role of this variant in disease. Therefore, it has been classified as a Variant of Uncertain Significance.

Personalized Diabetes Medicine Program, University of Maryland School of Medicine
Classification: Likely benign for Monogenic diabetes. Last evaluated: 2015-03-20. Review status: criteria provided, single submitter. Criteria: ACMG Guidelines, 2015. Collection method: research. Allele origin: unknown. Observed: 1 variant allele, 1 heterozygote.

Clinical Genomics, Uppaluri K&H Personalized Medicine Clinic
Classification: Uncertain significance for Alstrom syndrome. Review status: criteria provided, single submitter. Criteria: K & H Uppaluri Personalized Medicine Clinic Variant Classification & Assertion Criteria_Updated V.1. Collection method: research. Allele origin: unknown. Inheritance: Autosomal recessive inheritance.
Comment: Potent mutations in ALMS1 are associated with a rare condition called Alstrom syndrome. It can cause excessive eating, insulin resistance. However, no evidence is found to ascertain the role of rs200368564 in Alstrom syndrome yet.

Natera, Inc.
Classification: Uncertain significance for Alstrom syndrome. Last evaluated: 2020-01-17. Review status: no assertion criteria provided. Collection method: clinical testing. Allele origin: germline. Not counted in ClinVar's aggregate classification.

Literature cited by the submitters: PubMed 34148947 (cited by Clinical Genomics, Uppaluri K&H Personalized Medicine Clinic); PubMed 25846608 (cited by Clinical Genomics, Uppaluri K&H Personalized Medicine Clinic); PubMed 30421101 (cited by Clinical Genomics, Uppaluri K&H Personalized Medicine Clinic); PubMed 33669459 (cited by Clinical Genomics, Uppaluri K&H Personalized Medicine Clinic).

NM_001378454.1(ALMS1):c.6361G>C (p.Val2121Leu)

Gene: ALMS1 (ALMS1 centrosome and basal body associated protein; plus strand). Cytogenetic location: 2p13.1.
Variant type: single nucleotide variant.
Coding change: c.6361G>C on transcript NM_001378454.1 (MANE Select); coding-DNA position 6361, G replaced by C.
Protein change: p.Val2121Leu; replaces valine 2121 with leucine.
Molecular consequence: missense variant.
Genome position (GRCh38, 1-based): chr2:73,452,888, G>C. VCF-style: chr2-73452888-G-C. GRCh37 (hg19) VCF-style: chr2-73680015-G-C.
Other names: c.6364G>C, p.Val2122Leu (NM_015120.4); short protein forms V2122L, V2121L.
Identifiers: ClinVar variation 392543 (VCV000392543.13), dbSNP rs200368564, ClinGen allele CA1714056.